The following is an entry in ClinVar:

ClinVar aggregate classification (germline): Uncertain significance. Review status: criteria provided, multiple submitters, no conflicts (2 of 4 stars). 2 submissions from 2 submitters: Uncertain significance (2). Last evaluated 2025-09-02.

Conditions:
Cardiomyopathy (CMYO). Also called: Cardiomyopathies. Identifiers: Orphanet 167848, MedGen C0878544, MONDO:0004994, HP:0001638. Inheritance: Various modes of inheritance.
Hypertrophic cardiomyopathy. Also called: HYPERTROPHIC MYOCARDIOPATHY. Identifiers: Orphanet 217569, MedGen C0007194, MeSH D002312, MONDO:0005045, HP:0001639.

Submissions (2):

Labcorp Genetics (formerly Invitae), Labcorp
Classification: Uncertain significance for Hypertrophic cardiomyopathy. Last evaluated: 2025-09-02. Review status: criteria provided, single submitter. Criteria: Invitae Variant Classification Sherloc (09022015). Collection method: clinical testing. Allele origin: germline.
Comment: This sequence change replaces phenylalanine, which is neutral and non-polar, with cysteine, which is neutral and slightly polar, at codon 553 of the MYH7 protein (p.Phe553Cys). This variant is not present in population databases (gnomAD no frequency). This variant has not been reported in the literature in individuals affected with MYH7-related conditions. ClinVar contains an entry for this variant (Variation ID: 2726910). Invitae Evidence Modeling of protein sequence and biophysical properties (such as structural, functional, and spatial information, amino acid conservation, physicochemical variation, residue mobility, and thermodynamic stability) indicates that this missense variant is expected to disrupt MYH7 protein function with a positive predictive value of 80%. In summary, the available evidence is currently insufficient to determine the role of this variant in disease. Therefore, it has been classified as a Variant of Uncertain Significance.

All of Us Research Program, National Institutes of Health
Classification: Uncertain significance for Cardiomyopathy. Last evaluated: 2023-03-09. Review status: criteria provided, single submitter. Criteria: ACMG Guidelines, 2015. Collection method: clinical testing. Allele origin: germline. Inheritance: Autosomal dominant inheritance. Observed: 1 variant allele, 1 heterozygote.
Comment: This missense variant replaces phenylalanine with cysteine at codon 553 of the MYH7 protein. Computational prediction suggests that this variant may not impact protein structure and function (internally defined REVEL score threshold <= 0.5, PMID: 27666373). To our knowledge, functional studies have not been reported for this variant. This variant has not been reported in individuals affected with MYH7-related disorders in the literature. This variant has not been identified in the general population by the Genome Aggregation Database (gnomAD). The available evidence is insufficient to determine the role of this variant in disease conclusively. Therefore, this variant is classified as a Variant of Uncertain Significance.

This study involves interpretation of variants in research participants for the purpose of population health screening. Participant phenotype was not available at the time of variant classification. Additional details can be found in publication PMID: 35346344, PMCID: PMC8962531

NM_000257.4(MYH7):c.1658T>G (p.Phe553Cys)

Gene: MYH7 (myosin heavy chain 7; minus strand). Cytogenetic location: 14q11.2.
Variant type: single nucleotide variant.
Coding change: c.1658T>G on transcript NM_000257.4 (MANE Select); coding-DNA position 1658, T replaced by G.
Protein change: p.Phe553Cys; replaces phenylalanine 553 with cysteine.
Molecular consequence: missense variant.
Genome position (GRCh38, 1-based): chr14:23,427,815, A>C on the plus strand (T>G on the coding strand, the complement: MYH7 is on the minus strand). VCF-style: chr14-23427815-A-C. GRCh37 (hg19) VCF-style: chr14-23897024-A-C.
Other names: c.1658T>G, p.Phe553Cys (NM_001407004.1); short protein forms F553C.
Identifiers: ClinVar variation 2726910 (VCV002726910.4), dbSNP rs2502297329, ClinGen allele CA389050096.